The following is an entry in ClinVar:

ClinVar aggregate classification (germline): Uncertain significance (0 of 4 stars; one submission).

Conditions:
COL4A1-related disorder. Also called: COL4A1-related disorders; COL4A1-related condition. Identifiers: MedGen CN376119, MONDO:0800461.

Submission:

PreventionGenetics, part of Exact Sciences
Classification: Uncertain significance for COL4A1-related condition. Last evaluated: 2024-08-28. Review status: no assertion criteria provided. Collection method: clinical testing. Allele origin: germline.
Comment: The COL4A1 c.4529T>C variant is predicted to result in the amino acid substitution p.Val1510Ala. To our knowledge, this variant has not been reported in the literature or in a large population database, indicating this variant is rare. At this time, the clinical significance of this variant is uncertain due to the absence of conclusive functional and genetic evidence.

NM_001845.6(COL4A1):c.4529T>C (p.Val1510Ala)

Gene: COL4A1 (collagen type IV alpha 1 chain; minus strand). Cytogenetic location: 13q34.
Variant type: single nucleotide variant.
Coding change: c.4529T>C on transcript NM_001845.6 (MANE Select); coding-DNA position 4529, T replaced by C.
Protein change: p.Val1510Ala; replaces valine 1510 with alanine.
Molecular consequence: missense variant.
Genome position (GRCh38, 1-based): chr13:110,161,303, A>G on the plus strand (T>C on the coding strand, the complement: COL4A1 is on the minus strand). VCF-style: chr13-110161303-A-G. GRCh37 (hg19) VCF-style: chr13-110813650-A-G.
Other names: short protein forms V1510A.
Identifiers: ClinVar variation 3345148 (VCV003345148.1).
Genomic context (GRCh38, chr13:110,161,303, plus strand): 5'-GGCATGGGCTCAGGGGTGGACAGCCAGTACGAGTAGTCATTTCGTGATGCAAAGTTGCAC[A>G]CGTTGTTAATATTGCAGAACAGGAAGGGCATTGTGCTGAACTTGCGCAGGCAGCTGCCGG-3'
Protein context (NP_001836.3, residues 1500-1520): MPFLFCNINN[Val1510Ala]CNFASRNDYS